The following is an entry in ClinVar:

NM_000248.4(MITF):c.20A>G (p.Tyr7Cys)

Gene: MITF (melanocyte inducing transcription factor; plus strand). Cytogenetic location: 3p13.
Variant type: single nucleotide variant.
Coding change: c.20A>G on transcript NM_000248.4 (MANE Plus Clinical); coding-DNA position 20, A replaced by G.
Protein change: p.Tyr7Cys; replaces tyrosine 7 with cysteine.
Molecular consequence: missense variant. On other transcripts: intron variant (9).
Genome position (GRCh38, 1-based): chr3:69,936,742, A>G. VCF-style: chr3-69936742-A-G. GRCh37 (hg19) VCF-style: chr3-69985893-A-G.
Other names: c.20A>G, p.Tyr7Cys (NM_001184968.2, NM_198158.3, NM_198178.3); c.304-1080A>G (NM_001354607.2); c.199-1080A>G (NM_001354608.2, NM_001184967.2); c.355-1080A>G (NM_001354604.2, NM_198159.3); c.352-1080A>G (NM_001354605.2, NM_001354606.2, NM_006722.3); c.307-1080A>G (NM_198177.3); short protein forms Y7C.
Identifiers: ClinVar variation 4783625 (VCV004783625.1).

ClinVar aggregate classification (germline): Uncertain significance (1 of 4 stars; one submission).

Conditions:
Tietz syndrome (TADS). Also called: ALBINISM-DEAFNESS OF TIETZ; HYPOPIGMENTATION/DEAFNESS OF TIETZ; TIETZ ALBINISM-DEAFNESS SYNDROME. Identifiers: Orphanet 42665, MedGen C0391816, MONDO:0007077, OMIM 103500.
Waardenburg syndrome type 2A (WS2A). Also called: WAARDENBURG SYNDROME WITHOUT DYSTOPIA CANTHORUM. Identifiers: Orphanet 3440, MedGen C1860339, MONDO:0008671, OMIM 193510.
Melanoma, cutaneous malignant, susceptibility to, 8. Also called: MELANOMA AND RENAL CELL CARCINOMA, SUSCEPTIBILITY TO; Cutaneous malignant melanoma 8. Identifiers: Orphanet 293822, MedGen C3152204, MONDO:0013759, OMIM 614456.

Submission:

Labcorp Genetics (formerly Invitae), Labcorp
Classification: Uncertain significance for Melanoma, cutaneous malignant, susceptibility to, 8; Waardenburg syndrome type 2A; Tietz syndrome. Last evaluated: 2025-02-09. Review status: criteria provided, single submitter. Criteria: Invitae Variant Classification Sherloc (09022015). Collection method: clinical testing. Allele origin: germline.
Comment: This sequence change replaces tyrosine, which is neutral and polar, with cysteine, which is neutral and slightly polar, at codon 7 of the MITF protein (p.Tyr7Cys). This variant is not present in population databases (gnomAD no frequency). This missense change has been observed in individual(s) with autosomal dominant Waardenburg syndrome (PMID: 24194866). It has also been observed to segregate with disease in related individuals. An algorithm developed to predict the effect of missense changes on protein structure and function (PolyPhen-2) suggests that this variant is likely to be disruptive. In summary, the available evidence is currently insufficient to determine the role of this variant in disease. Therefore, it has been classified as a Variant of Uncertain Significance.

Literature cited by the submitters: PubMed 24194866.